The following is an entry in ClinVar:

NM_170606.3(KMT2C):c.1700A>G (p.Asn567Ser)

Gene: KMT2C (lysine methyltransferase 2C; minus strand). Cytogenetic location: 7q36.1.
Variant type: single nucleotide variant.
Coding change: c.1700A>G on transcript NM_170606.3 (MANE Select); coding-DNA position 1700, A replaced by G.
Protein change: p.Asn567Ser; replaces asparagine 567 with serine.
Molecular consequence: missense variant.
Genome position (GRCh38, 1-based): chr7:152,250,888, T>C on the plus strand (A>G on the coding strand, the complement: KMT2C is on the minus strand). VCF-style: chr7-152250888-T-C. GRCh37 (hg19) VCF-style: chr7-151947973-T-C.
Other names: short protein forms N567S.
Identifiers: ClinVar variation 134741 (VCV000134741.32), dbSNP rs12674022, ClinGen allele CA160655.

ClinVar aggregate classification (germline): Conflicting classifications of pathogenicity. Review status: criteria provided, conflicting classifications (1 of 4 stars). 5 submissions from 5 submitters: Uncertain significance (1); Benign (2); Likely benign (1). 1 of the submissions does not count toward it. Last evaluated 2024-08-01.

Conditions:
Kleefstra syndrome 2 (KLEFS2). Identifiers: MedGen C4540395, MONDO:0054701, OMIM 617768.

Allele frequency attached by ClinVar (database versions not stated): gnomAD 0.00006 and 0.00009; TOPMed 0.00008; ESP Exome Variant Server 0.00015; gnomAD exomes 0.00015 and 0.00019; ExAC 0.00018.
gnomAD v4.1: 293 of 1,608,658 alleles (0.018%); highest among the groups gnomAD compares: South Asian, 0.077%; 1 homozygote.

Submissions (5):

CeGaT Center for Human Genetics Tuebingen
Classification: Benign. Last evaluated: 2024-08-01. Review status: criteria provided, single submitter. Criteria: CeGaT Center For Human Genetics Tuebingen Variant Classification Criteria Version 2. Collection method: clinical testing. Allele origin: germline. Affected: yes. Observed: 2 variant alleles.
Comment: KMT2C: BP4, BS1, BS2

Labcorp Genetics (formerly Invitae), Labcorp
Classification: Benign. Last evaluated: 2023-04-09. Review status: criteria provided, single submitter. Criteria: Invitae Variant Classification Sherloc (09022015). Collection method: clinical testing. Allele origin: germline.

Department of Pathology and Laboratory Medicine, Sinai Health System
Classification: Likely benign for Kleefstra syndrome 2. Last evaluated: 2021-12-07. Review status: criteria provided, single submitter. Criteria: ACMG Guidelines, 2015. Collection method: research. Allele origin: germline.

Revvity Omics, Revvity
Classification: Uncertain significance for Kleefstra syndrome 2. Last evaluated: 2019-12-12. Review status: criteria provided, single submitter. Criteria: ACMG Guidelines, 2015. Collection method: clinical testing. Allele origin: germline.

ITMI
No classification provided. Condition: AllHighlyPenetrant. Last evaluated: 2013-09-19. Review status: no classification provided. Collection method: reference population. Allele origin: germline. Not counted in ClinVar's aggregate classification.
Comment: Please see associated publication for description of ethnicities

Literature cited by the submitters: PubMed 24728327 (cited by ITMI).